The following is an entry in ClinVar:

ClinVar aggregate classification (germline): Benign/Likely benign. Review status: criteria provided, multiple submitters, no conflicts (2 of 4 stars). 11 submissions from 11 submitters: Benign (6); Likely benign (4). 1 of the submissions does not count toward it. Last evaluated 2026-09-17.

Conditions:
Atypical hemolytic-uremic syndrome with B factor anomaly. Also called: HEMOLYTIC UREMIC SYNDROME, ATYPICAL, SUSCEPTIBILITY TO, 4; AHUS, SUSCEPTIBILITY TO, 4. Identifiers: Orphanet 2134, MedGen C2752038, MONDO:0013042, OMIM 612924.
CFB-related disorder. Also called: CFB-related condition; CFB-related disorders.
Kidney disorder. Also called: Kidney disease; Kidney Diseases; Nephropathy; renal disease; renal disorder. Identifiers: MedGen C0022658, MONDO:0005240, HP:0000112.
Complement factor b deficiency. Identifiers: MedGen C3809950, MONDO:0014255, OMIM 615561.
Age related macular degeneration 14. Also called: MACULAR DEGENERATION, AGE-RELATED, 14, REDUCED RISK OF. Identifiers: MedGen C3809653, MONDO:0014207, OMIM 615489.
Atypical hemolytic-uremic syndrome. Identifiers: Orphanet 2134, MedGen C2931788, MONDO:0016244.

Allele frequency attached by ClinVar (database versions not stated): ESP Exome Variant Server 0.00723; gnomAD 0.00911 and 0.00944; 1000 Genomes Project 0.00958; gnomAD exomes 0.00995 and 0.01098; TOPMed 0.01043; 1000 Genomes Project 30x 0.01046; ExAC 0.01097.
gnomAD v4.1: 16,209 of 1,612,788 alleles (1%); highest among the groups gnomAD compares: Middle Eastern, 9.5%; 221 homozygotes.

Submissions (11):

Genomenon, Inc
Classification: Benign for Atypical hemolytic-uremic syndrome. Last evaluated: 2026-09-17. Review status: criteria provided, single submitter. Criteria: Genomenon Sequence Variant Interpretation Standards - Updated. Collection method: curation. Allele origin: germline. Affected: no.
Comment: CFB c.1137C>T is a synonymous variant that retains Arginine at codon 379. This variant is present at high allele frequency in population databases. We classify CFB p.Arg379= (c.1137C>T) as a benign variant.

Women's Health and Genetics/Laboratory Corporation of America, LabCorp
Classification: Benign. Last evaluated: 2026-04-15. Review status: criteria provided, single submitter. Criteria: LabCorp Variant Classification Summary - May 2015. Collection method: clinical testing. Allele origin: germline.

Labcorp Genetics (formerly Invitae), Labcorp
Classification: Benign. Last evaluated: 2026-02-04. Review status: criteria provided, single submitter. Criteria: Invitae Variant Classification Sherloc (09022015). Collection method: clinical testing. Allele origin: germline.

Mayo Clinic Laboratories, Mayo Clinic
Classification: Benign. Last evaluated: 2025-02-24. Review status: criteria provided, single submitter. Criteria: ACMG Guidelines, 2015. Collection method: clinical testing. Allele origin: germline. Observed: 82 variant alleles.
Comment: BS1, BS2, BP4, BP7

Blueprint Genetics
Classification: Likely benign. Last evaluated: 2024-11-26. Review status: criteria provided, single submitter. Criteria: ACMG Guidelines, 2015. Collection method: clinical testing. Allele origin: germline.

Fulgent Genetics
Classification: Likely benign for Atypical hemolytic-uremic syndrome with B factor anomaly; Age related macular degeneration 14; Complement factor b deficiency. Last evaluated: 2022-04-21. Review status: criteria provided, single submitter. Criteria: ACMG Guidelines, 2015. Collection method: clinical testing. Allele origin: unknown.

Genetic Services Laboratory, University of Chicago
Classification: Benign. Last evaluated: 2021-03-29. Review status: criteria provided, single submitter. Criteria: ACMG Guidelines, 2015. Collection method: clinical testing. Allele origin: germline. Affected: no.

Illumina Laboratory Services, Illumina
Classification: Benign for Atypical hemolytic-uremic syndrome with B factor anomaly. Last evaluated: 2018-01-12. Review status: criteria provided, single submitter. Criteria: ICSL Variant Classification Criteria 13 December 2019. Collection method: clinical testing. Allele origin: germline.
Comment: This variant was observed in the ICSL laboratory as part of a predisposition screen in an ostensibly healthy population. It had not been previously curated by ICSL or reported in the Human Gene Mutation Database (HGMD: prior to June 1st, 2018), and was therefore a candidate for classification through an automated scoring system. Utilizing variant allele frequency, disease prevalence and penetrance estimates, and inheritance mode, an automated score was calculated to assess if this variant is too frequent to cause the disease. Based on the score and internal cut-off values, a variant classified as benign is not then subjected to further curation. The score for this variant resulted in a classification of benign for this disease.

Genome Diagnostics Laboratory, The Hospital for Sick Children
Classification: Likely benign for Kidney disorder. Last evaluated: 2017-02-06. Review status: criteria provided, single submitter. Criteria: ACMG Guidelines, 2015. Collection method: clinical testing. Allele origin: germline.

Breakthrough Genomics
Classification: Likely benign. Review status: criteria provided, single submitter. Criteria: ACMG Guidelines, 2015. Collection method: not provided. Allele origin: germline. Inheritance: Autosomal recessive inheritance. Affected: yes.

PreventionGenetics, part of Exact Sciences
Classification: Benign for CFB-related condition. Last evaluated: 2019-04-02. Review status: no assertion criteria provided. Collection method: clinical testing. Allele origin: germline. Not counted in ClinVar's aggregate classification.
Comment: This variant is classified as benign based on ACMG/AMP sequence variant interpretation guidelines (Richards et al. 2015 PMID: 25741868, with internal and published modifications).

NM_001710.6(CFB):c.1137C>T (p.Arg379=)

Gene: CFB (complement factor B; plus strand). Cytogenetic location: 6p21.33.
Variant type: single nucleotide variant.
Coding change: c.1137C>T on transcript NM_001710.6 (MANE Select); coding-DNA position 1137, C replaced by T.
Protein change: p.Arg379=; no amino-acid change (arginine 379 retained).
Molecular consequence: synonymous variant.
Genome position (GRCh38, 1-based): chr6:31,948,930, C>T. VCF-style: chr6-31948930-C-T. GRCh37 (hg19) VCF-style: chr6-31916707-C-T.
Other names: p.Arg379=.
Identifiers: ClinVar variation 356284 (VCV000356284.28), dbSNP rs45600936, ClinGen allele CA3728242.
Genomic context (GRCh38, chr6:31,948,930, plus strand): 5'-CCAGGCAGTGTACAGCATGATGAGCTGGCCAGATGACGTCCCTCCTGAAGGCTGGAACCG[C>T]ACCCGCCATGTCATCATCCTCATGACTGATGGTCAGAAGGGACCTCTCTCCTGTCCCAGC-3'
Protein context (NP_001701.2, residues 369-389): PDDVPPEGWN[Arg379=]TRHVIILMTD